The following is an entry in ClinVar:

ClinVar aggregate classification (germline): Uncertain significance (1 of 4 stars; one submission).

Submission:

Labcorp Genetics (formerly Invitae), Labcorp
Classification: Uncertain significance. Last evaluated: 2022-11-28. Review status: criteria provided, single submitter. Criteria: Invitae Variant Classification Sherloc (09022015). Collection method: clinical testing. Allele origin: germline.
Comment: This variant is not present in population databases (gnomAD no frequency). In summary, the available evidence is currently insufficient to determine the role of this variant in disease. Therefore, it has been classified as a Variant of Uncertain Significance. Algorithms developed to predict the effect of missense changes on protein structure and function are either unavailable or do not agree on the potential impact of this missense change (SIFT: "Not Available"; PolyPhen-2: "Probably Damaging"; Align-GVGD: "Not Available"). ClinVar contains an entry for this variant (Variation ID: 1371335). This variant has not been reported in the literature in individuals affected with POC1A-related conditions. This sequence change replaces leucine with proline at codon 370 of the POC1A protein (p.Leu370Pro). There is a moderate physicochemical difference between leucine and proline.

NM_015426.5(POC1A):c.1109T>C (p.Leu370Pro)

Gene: POC1A (POC1 centriolar protein A; minus strand). Cytogenetic location: 3p21.2.
Variant type: single nucleotide variant.
Coding change: c.1109T>C on transcript NM_015426.5 (MANE Select); coding-DNA position 1109, T replaced by C.
Protein change: p.Leu370Pro; replaces leucine 370 with proline.
Molecular consequence: missense variant. On other transcripts: intron variant (1).
Genome position (GRCh38, 1-based): chr3:52,096,585, A>G on the plus strand (T>C on the coding strand, the complement: POC1A is on the minus strand). VCF-style: chr3-52096585-A-G. GRCh37 (hg19) VCF-style: chr3-52130601-A-G.
Other names: c.995T>C, p.Leu332Pro (NM_001161581.2); c.982-20600T>C (NM_001161580.2); short protein forms L332P, L370P.
Identifiers: ClinVar variation 1371335 (VCV001371335.6), dbSNP rs2106973437, ClinGen allele CA353049141.